The following is an entry in ClinVar:

ClinVar aggregate classification (germline): Uncertain significance (1 of 4 stars; one submission).

Conditions:
BAP1-related tumor predisposition syndrome (TPDS1). Also called: BAP1 tumor predisposition syndrome; COMMON Syndrome; Tumor susceptibility linked to germline BAP1 mutations; TUMOR PREDISPOSITION SYNDROME 1. Identifiers: Orphanet 289539, MedGen C3280492, MONDO:0013692, OMIM 614327.

Submission:

Labcorp Genetics (formerly Invitae), Labcorp
Classification: Uncertain significance for BAP1-related tumor predisposition syndrome. Last evaluated: 2025-10-09. Review status: criteria provided, single submitter. Criteria: Invitae Variant Classification Sherloc (09022015). Collection method: clinical testing. Allele origin: germline.
Comment: This sequence change falls in intron 4 of the BAP1 gene. It does not directly change the encoded amino acid sequence of the BAP1 protein. The frequency data for this variant in the population databases is considered unreliable, as metrics indicate poor data quality at this position in the gnomAD database. This variant has not been reported in the literature in individuals affected with BAP1-related conditions. Studies have shown that this variant is associated with inconclusive levels of altered splicing (internal data). In summary, the available evidence is currently insufficient to determine the role of this variant in disease. Therefore, it has been classified as a Variant of Uncertain Significance.

NM_004656.4(BAP1):c.255+33G>A

Gene: BAP1 (BRCA1 associated deubiquitinase 1; minus strand). Cytogenetic location: 3p21.1.
Variant type: single nucleotide variant.
Coding change: c.255+33G>A on transcript NM_004656.4 (MANE Select); 33 bases into the intron after coding-DNA position 255, G replaced by A.
Molecular consequence: intron variant.
Genome position (GRCh38, 1-based): chr3:52,408,441, C>T on the plus strand (G>A on the coding strand, the complement: BAP1 is on the minus strand). VCF-style: chr3-52408441-C-T. GRCh37 (hg19) VCF-style: chr3-52442457-C-T.
Other names: c.255+33G>A (NM_001410772.1).
Identifiers: ClinVar variation 4728611 (VCV004728611.1).
Genomic context (GRCh38, chr3:52,408,441, plus strand): 5'-CTATCTCCTCCTCCTGTCTTCCTCCATTTCCACTTCCCAAGCAAAAACATGGCAGCATCC[C>T]ACCCTCCAAACAAAGCACAGAGTCCAGCAGACCTGGTGGGCAAAGAACATGTTATTCACA-3'